The following is an entry in ClinVar:

NM_000051.4(ATM):c.2467-8C>G

Gene: ATM (ATM serine/threonine kinase; plus strand). Cytogenetic location: 11q22.3.
Variant type: single nucleotide variant.
Coding change: c.2467-8C>G on transcript NM_000051.4 (MANE Select); 8 bases into the intron before coding-DNA position 2467, C replaced by G.
Molecular consequence: intron variant.
Genome position (GRCh38, 1-based): chr11:108,267,163, C>G. VCF-style: chr11-108267163-C-G. GRCh37 (hg19) VCF-style: chr11-108137890-C-G.
Other names: c.2467-8C>G (NM_001351834.2).
Identifiers: ClinVar variation 453417 (VCV000453417.40), dbSNP rs1425701157, ClinGen allele CA658656230.
Genomic context (GRCh38, chr11:108,267,163, plus strand): 5'-GTAAATTTTGACTACAGCATGCTCCTGCAAGAAGCCATCTTGAACATCTTTGTTTCTCTT[C>G]CTTGAAGGCATCCTTCATCAAAAAGCCATTTGACCGTGGAGAAGTAGAATCAATGGAAGA-3'

ClinVar aggregate classification (germline): Conflicting classifications of pathogenicity. Review status: criteria provided, conflicting classifications (1 of 4 stars). 4 submissions from 4 submitters: Uncertain significance (2); Likely benign (1). 1 of the submissions does not count toward it. Last evaluated 2025-07-10.

Conditions:
Ataxia-telangiectasia syndrome (AT). Also called: Ataxia telangiectasia (A-T); LOUIS-BAR SYNDROME; Cerebello-oculocutaneous telangiectasia; Immunodeficiency with ataxia telangiectasia; Ataxia-telangiectasia, complementation group D; AT, COMPLEMENTATION GROUP C. Identifiers: Orphanet 100, MedGen C0004135, MONDO:0008840, OMIM 208900.
Hereditary cancer-predisposing syndrome. Also called: Hereditary neoplastic syndrome; Neoplastic Syndromes, Hereditary; Hereditary Cancer Syndrome; Tumor predisposition. Identifiers: Orphanet 140162, MedGen C0027672, MeSH D009386, MONDO:0015356.

Allele frequency attached by ClinVar (database versions not stated): TOPMed below 0.00001.

Submissions (4):

Labcorp Genetics (formerly Invitae), Labcorp
Classification: Likely benign for Ataxia-telangiectasia syndrome. Last evaluated: 2025-07-10. Review status: criteria provided, single submitter. Criteria: Invitae Variant Classification Sherloc (09022015). Collection method: clinical testing. Allele origin: germline.

CeGaT Center for Human Genetics Tuebingen
Classification: Uncertain significance. Last evaluated: 2024-01-01. Review status: criteria provided, single submitter. Criteria: CeGaT Center For Human Genetics Tuebingen Variant Classification Criteria Version 2. Collection method: clinical testing. Allele origin: germline. Affected: yes. Observed: 1 variant allele.
Comment: ATM: PM2, BP4

Color Diagnostics, LLC DBA Color Health
Classification: Uncertain significance for Hereditary cancer-predisposing syndrome. Last evaluated: 2018-08-20. Review status: criteria provided, single submitter. Criteria: ACMG Guidelines, 2015. Collection method: clinical testing. Allele origin: germline.

Natera, Inc.
Classification: Uncertain significance for Ataxia-telangiectasia. Last evaluated: 2021-09-08. Review status: no assertion criteria provided. Collection method: clinical testing. Allele origin: germline. Not counted in ClinVar's aggregate classification.